The following is an entry in ClinVar:

NM_000181.4(GUSB):c.916C>T (p.Gln306Ter)

Gene: GUSB (glucuronidase beta; minus strand). Cytogenetic location: 7q11.21.
Variant type: single nucleotide variant.
Coding change: c.916C>T on transcript NM_000181.4 (MANE Select); coding-DNA position 916, C replaced by T.
Protein change: p.Gln306Ter; replaces glutamine 306 with a stop codon.
Molecular consequence: nonsense. On other transcripts: non-coding transcript variant (1).
Genome position (GRCh38, 1-based): chr7:65,975,068, G>A on the plus strand (C>T on the coding strand, the complement: GUSB is on the minus strand). VCF-style: chr7-65975068-G-A. GRCh37 (hg19) VCF-style: chr7-65440055-G-A.
Other names: c.478C>T, p.Gln160Ter (NM_001284290.2); c.346C>T, p.Gln116Ter (NM_001293104.2); c.259C>T, p.Gln87Ter (NM_001293105.2); short protein forms Q160*, Q87*, Q116*, Q306*.
Identifiers: ClinVar variation 2799488 (VCV002799488.3), dbSNP rs1156563889, ClinGen allele CA367645474.
Genomic context (GRCh38, chr7:65,975,068, plus strand): 5'-TCCCCACAGGGAGTGTGTAGAAGTCAGACACAGGCCCCAGTGACGTCTGTGCAGTCAGCT[G>A]CACCTATGACAGCCAAAGCACCAGGTGTGAGCACCCCGACAGCCTGAGCCCCATCCGGCC-3'

ClinVar aggregate classification (germline): Pathogenic (1 of 4 stars; one submission).

Conditions:
Mucopolysaccharidosis type 7 (MPS7). Also called: BETA-GLUCURONIDASE DEFICIENCY; SLY SYNDROME; GUSB DEFICIENCY; MPS VII. Identifiers: Orphanet 584, MedGen C0085132, MONDO:0009662, OMIM 253220.

Submission:

Labcorp Genetics (formerly Invitae), Labcorp
Classification: Pathogenic for Mucopolysaccharidosis type 7. Last evaluated: 2024-01-13. Review status: criteria provided, single submitter. Criteria: Invitae Variant Classification Sherloc (09022015). Collection method: clinical testing. Allele origin: germline.
Comment: This sequence change creates a premature translational stop signal (p.Gln306*) in the GUSB gene. It is expected to result in an absent or disrupted protein product. Loss-of-function variants in GUSB are known to be pathogenic (PMID: 19224584). This variant is not present in population databases (gnomAD no frequency). This variant has not been reported in the literature in individuals affected with GUSB-related conditions. For these reasons, this variant has been classified as Pathogenic.

Literature cited by the submitters: PubMed 19224584.